The following is an entry in ClinVar:

ClinVar aggregate classification (germline): Uncertain significance (0 of 4 stars; one submission).

Conditions:
TF-related disorder. Also called: TF-related condition.

gnomAD v4.1: 13 of 1,614,216 alleles (0.00081%); highest among the groups gnomAD compares: Non-Finnish European, 0.001%; no homozygotes.

Submission:

PreventionGenetics, part of Exact Sciences
Classification: Uncertain significance for TF-related condition. Last evaluated: 2024-05-08. Review status: no assertion criteria provided. Collection method: clinical testing. Allele origin: germline.
Comment: The TF c.967A>G variant is predicted to result in the amino acid substitution p.Lys323Glu. To our knowledge, this variant has not been reported in the literature. This variant is reported in 0.00088% of alleles in individuals of European (Non-Finnish) descent in gnomAD. At this time, the clinical significance of this variant is uncertain due to the absence of conclusive functional and genetic evidence.

NM_001063.4(TF):c.967A>G (p.Lys323Glu)

Gene: TF (transferrin; plus strand). Cytogenetic location: 3q22.1.
Variant type: single nucleotide variant.
Coding change: c.967A>G on transcript NM_001063.4 (MANE Select); coding-DNA position 967, A replaced by G.
Protein change: p.Lys323Glu; replaces lysine 323 with glutamic acid.
Molecular consequence: missense variant.
Genome position (GRCh38, 1-based): chr3:133,757,865, A>G. VCF-style: chr3-133757865-A-G. GRCh37 (hg19) VCF-style: chr3-133476709-A-G.
Other names: c.835A>G, p.Lys279Glu (NM_001354703.2); c.586A>G, p.Lys196Glu (NM_001354704.2); short protein forms K196E, K279E, K323E.
Identifiers: ClinVar variation 3354388 (VCV003354388.1).